The following is an entry in ClinVar:

NM_001042681.2(RERE):c.865G>A (p.Gly289Ser)

Gene: RERE (arginine-glutamic acid dipeptide repeats; minus strand). Cytogenetic location: 1p36.23.
Variant type: single nucleotide variant.
Coding change: c.865G>A on transcript NM_001042681.2 (MANE Select); coding-DNA position 865, G replaced by A.
Protein change: p.Gly289Ser; replaces glycine 289 with serine.
Molecular consequence: missense variant.
Genome position (GRCh38, 1-based): chr1:8,508,641, C>T on the plus strand (G>A on the coding strand, the complement: RERE is on the minus strand). VCF-style: chr1-8508641-C-T. GRCh37 (hg19) VCF-style: chr1-8568700-C-T.
Other names: c.865G>A, p.Gly289Ser (NM_012102.4); short protein forms G289S.
Identifiers: ClinVar variation 4082764 (VCV004082764.1).

ClinVar aggregate classification (germline): Uncertain significance (1 of 4 stars; one submission).

Submission:

GeneDx
Classification: Uncertain significance. Last evaluated: 2025-03-07. Review status: criteria provided, single submitter. Criteria: GeneDx Variant Classification Process June 2021. Collection method: clinical testing. Allele origin: germline. Affected: yes.
Comment: Not observed at significant frequency in large population cohorts (gnomAD); In silico analysis supports that this missense variant has a deleterious effect on protein structure/function; Has not been previously published as pathogenic or benign to our knowledge